The following is an entry in ClinVar:

ClinVar aggregate classification (germline): Conflicting classifications of pathogenicity. Review status: criteria provided, conflicting classifications (1 of 4 stars). 4 submissions from 4 submitters: Likely pathogenic (1); Uncertain significance (3). Last evaluated 2025-03-07.
ClinVar aggregate classification (somatic clinical impact): Tier I - Strong (1 of 4 stars; one submission).

Conditions:
Neurofibromatosis, type 1 (NF1). Also called: VON RECKLINGHAUSEN DISEASE; NEUROFIBROMATOSIS, TYPE I, SOMATIC; Peripheral type neurofibromatosis; Neurofibromatosis, type I. Identifiers: Orphanet 636, MedGen C0027831, MONDO:0018975, OMIM 162200. Disease mechanism: loss of function.
Rosette-forming glioneuronal tumor. Identifiers: Orphanet 251975, MedGen C4331262, MONDO:0016736, HP:0025171.

Allele frequency attached by ClinVar (database versions not stated): gnomAD 0.00001.
gnomAD v4.1: 2 of 1,609,054 alleles (0.00012%); highest among the groups gnomAD compares: African/African-American, 0.0013%; no homozygotes.

Submissions (5):

Variantyx, Inc.
Classification: Likely pathogenic for Neurofibromatosis, type 1. Last evaluated: 2025-03-07. Review status: criteria provided, single submitter. Criteria: Variantyx Assertion Criteria 2022. Collection method: clinical testing. Allele origin: de novo. Affected: yes.
Comment: This is a nonsynonymous variant in the NF1 gene (OMIM: 613113). Pathogenic variants in this gene have been associated with autosomal dominant neurofibromatosis type 1. This variant has been reported in at least one affected individual (PMID: 36612057) (PS4_Moderate). This variant has a 0.0013% maximum allele frequency in non-founder control populations (PM2_Supporting). Computational algorithms produce conflicting evidence regarding the predicted functional impact of this variant (REVEL score: 0.525). Based on the current evidence, this variant is classified as likely pathogenic for autosomal dominant neurofibromatosis type 1.

Institute for Genomic Medicine (IGM) Clinical Laboratory, Nationwide Children's Hospital
Classification: Tier I - Strong for Rosette-forming glioneuronal tumor. Assertion type: diagnostic. Clinical significance: supports diagnosis. Last evaluated: 2024-04-01. Review status: criteria provided, single submitter. Criteria: AMP/ASCO/CAP Guidelines, 2017. Collection method: clinical testing. Allele origin: somatic. Affected: yes.
Comment: Variant has Tier I (strong) clinical significance as a diagnostic inclusion criterion in rosette-forming glioneuronal tumor of fourth ventricule, based on the following evidence: 1) Appears in one or more well-established professional guidelines (e.g., World Health Organization [WHO]; National Comprehensive Cancer Network [NCCN]) as providing diagnostic, prognostic, or therapeutic information. 2) Information in the literature supports potential biologic effect of variant. 3) Diagnostic for a specific tumor type/classification based on well-powered studies with expert-level consensus (Evidence Level B; PMIDs: 31250151, 32859279, 35293634).

Labcorp Genetics (formerly Invitae), Labcorp
Classification: Uncertain significance for Neurofibromatosis, type 1. Last evaluated: 2023-06-05. Review status: criteria provided, single submitter. Criteria: Invitae Variant Classification Sherloc (09022015). Collection method: clinical testing. Allele origin: germline.
Comment: ClinVar contains an entry for this variant (Variation ID: 952648). This sequence change replaces valine, which is neutral and non-polar, with phenylalanine, which is neutral and non-polar, at codon 2029 of the NF1 protein (p.Val2029Phe). This variant is present in population databases (no rsID available, gnomAD no frequency). This missense change has been observed in individual(s) with clinical features of NF1-related conditions (PMID: 21520333). An algorithm developed to predict the effect of missense changes on protein structure and function (PolyPhen-2) suggests that this variant is likely to be disruptive. Algorithms developed to predict the effect of sequence changes on RNA splicing suggest that this variant may disrupt the consensus splice site. In summary, the available evidence is currently insufficient to determine the role of this variant in disease. Therefore, it has been classified as a Variant of Uncertain Significance.

Genome-Nilou Lab
Classification: Uncertain significance for Neurofibromatosis, type 1. Last evaluated: 2022-03-15. Review status: criteria provided, single submitter. Criteria: ACMG Guidelines, 2015. Collection method: clinical testing. Allele origin: germline. Affected: no.

GeneDx
Classification: Uncertain significance. Last evaluated: 2019-04-18. Review status: criteria provided, single submitter. Criteria: GeneDx Variant Classification Process June 2021. Collection method: clinical testing. Allele origin: germline. Affected: yes.
Comment: In silico analysis, which includes protein predictors and evolutionary conservation, supports a deleterious effect; Has not been previously published as pathogenic or benign to our knowledge; This variant is associated with the following publications: (PMID: 32575496)

Literature cited by the submitters: PubMed 31250151 (cited by Institute for Genomic Medicine (IGM) Clinical Laboratory, Nationwide Children's Hospital); PubMed 32859279 (cited by Institute for Genomic Medicine (IGM) Clinical Laboratory, Nationwide Children's Hospital); PubMed 35293634 (cited by Institute for Genomic Medicine (IGM) Clinical Laboratory, Nationwide Children's Hospital); PubMed 21520333 (cited by Labcorp Genetics (formerly Invitae), Labcorp).

NM_001042492.3(NF1):c.6148G>T (p.Val2050Phe)

Gene: NF1 (neurofibromin 1; plus strand). Cytogenetic location: 17q11.2.
Variant type: single nucleotide variant.
Coding change: c.6148G>T on transcript NM_001042492.3 (MANE Select); coding-DNA position 6148, G replaced by T.
Protein change: p.Val2050Phe; replaces valine 2050 with phenylalanine.
Molecular consequence: missense variant.
Genome position (GRCh38, 1-based): chr17:31,336,635, G>T. VCF-style: chr17-31336635-G-T. GRCh37 (hg19) VCF-style: chr17-29663653-G-T.
Other names: c.6085G>T, p.Val2029Phe (NM_000267.4); short protein forms V2029F, V2050F.
Identifiers: ClinVar variation 952648 (VCV000952648.10), dbSNP rs1300330804, ClinGen allele CA399011672.